The following is an entry in ClinVar:

NM_007294.4(BRCA1):c.103G>C (p.Val35Leu)

Gene: BRCA1 (BRCA1 DNA repair associated; minus strand). Cytogenetic location: 17q21.31.
Variant type: single nucleotide variant.
Coding change: c.103G>C on transcript NM_007294.4 (MANE Select); coding-DNA position 103, G replaced by C.
Protein change: p.Val35Leu; replaces valine 35 with leucine.
Molecular consequence: missense variant. On other transcripts: non-coding transcript variant (1), intron variant (1).
Genome position (GRCh38, 1-based): chr17:43,115,757, C>G on the plus strand (G>C on the coding strand, the complement: BRCA1 is on the minus strand). VCF-style: chr17-43115757-C-G. GRCh37 (hg19) VCF-style: chr17-41267774-C-G.
Other names: c.-86G>C (NM_001407571.1, NM_001407853.1, NM_001407879.1 and 52 more transcripts); c.103G>C, p.Val35Leu (NM_001407581.1, NM_001407582.1, NM_001407583.1 and 192 more transcripts); c.-155G>C (NM_001407696.1, NM_001407724.1, NM_001407727.1 and 13 more transcripts); c.-39G>C (NM_001407697.1, NM_001407725.1, NM_001407728.1 and 47 more transcripts); c.-35G>C (NM_001407841.1); c.-202G>C (NM_001407889.1, NM_001407900.1, NM_001408492.1); c.-201G>C (NM_001407960.1, NM_001407962.1, NM_001408510.1 and 1 more transcripts); c.-317G>C (NM_001407965.1); and 2 more; short protein forms V35L.
Identifiers: ClinVar variation 867490 (VCV000867490.3), dbSNP rs879255284, ClinGen allele CA10601947.
Genomic context (GRCh38, chr17:43,115,757, plus strand): 5'-ATGGAGCCACATAACACATTCAAACTTACTTGCAAAATATGTGGTCACACTTTGTGGAGA[C>G]AGGTTCCTTGATCAACTCCAGACTAGCAGGGTAGGGGGGGAGAAAAAGAAAATAAATGAG-3'
Protein context (NP_009225.1, residues 25-45): PICLELIKEP[Val35Leu]STKCDHIFCK

Conditions:
Breast-ovarian cancer, familial, susceptibility to, 1 (BROVCA1). Also called: BRCA1 Hereditary Breast and Ovarian Cancer; OVARIAN CANCER, SUSCEPTIBILITY TO. Identifiers: Orphanet 145, MedGen C2676676, MONDO:0011450, OMIM 604370. Disease mechanism: loss of function.

Submission:

Brotman Baty Institute, University of Washington
No classification provided (evidence only). Condition: Breast-ovarian cancer, familial 1. Review status: no classification provided. Collection method: in vitro. Allele origin: not applicable. Functional consequence: function_uncertain_variant.
ClinVar note: "not provided" was previously submitted as the classification for the variant. However, the classification appeared to be based only on an observation of functional data so it was converted to no classification on 2025-07-30.